The following is an entry in ClinVar:

ClinVar aggregate classification (germline): Pathogenic (1 of 4 stars; one submission).

Submission:

Labcorp Genetics (formerly Invitae), Labcorp
Classification: Pathogenic. Last evaluated: 2024-08-31. Review status: criteria provided, single submitter. Criteria: Invitae Variant Classification Sherloc (09022015). Collection method: clinical testing. Allele origin: germline.
Comment: This sequence change creates a premature translational stop signal (p.Gln986Asnfs*21) in the POLE gene. It is expected to result in an absent or disrupted protein product. Loss-of-function variants in POLE are known to be pathogenic (PMID: 23230001, 25948378, 30503519). This variant is not present in population databases (gnomAD no frequency). This variant has not been reported in the literature in individuals affected with POLE-related conditions. ClinVar contains an entry for this variant (Variation ID: 643329). For these reasons, this variant has been classified as Pathogenic.

Literature cited by the submitters: PubMed 23230001; PubMed 25948378; PubMed 30503519.

NM_006231.4(POLE):c.2956del (p.Gln986fs)

Gene: POLE (DNA polymerase epsilon, catalytic subunit; minus strand). Cytogenetic location: 12q24.33.
Variant type: Deletion.
Coding change: c.2956del on transcript NM_006231.4 (MANE Select); coding-DNA position 2956, one base deleted (C; older notation c.2956delC).
Protein change: p.Gln986fs; shifts the reading frame from glutamine 986.
Molecular consequence: frameshift variant.
Genome position (GRCh38, 1-based): chr12:132,661,073, G deleted on the plus strand (C on the coding strand, the reverse complement: POLE is on the minus strand); the first of 2 consecutive G bases (chr12:132,661,073-132,661,074); deleting either gives the same sequence. VCF-style (leftmost placement, unchanged base first): chr12-132661072-TG-T. GRCh37 (hg19) VCF-style: chr12-133237658-TG-T.
Other names: c.2956delC (NM_006231.3); short protein forms Q986fs.
Identifiers: ClinVar variation 643329 (VCV000643329.8), dbSNP rs1593776083, ClinGen allele CA915946841.